The following is an entry in ClinVar:

ClinVar aggregate classification (germline): Uncertain significance. Review status: criteria provided, multiple submitters, no conflicts (2 of 4 stars). 2 submissions from 2 submitters: Uncertain significance (2). Last evaluated 2023-07-03.

Conditions:
Cardiovascular phenotype. Identifiers: MedGen CN230736.
Brugada syndrome 8 (BRGDA8). Identifiers: Orphanet 130, MedGen C2751083, MONDO:0013148, OMIM 613123.

gnomAD v4.1: 4 of 1,604,244 alleles (0.00025%); highest among the groups gnomAD compares: Non-Finnish European, 0.00034%; no homozygotes.

Submissions (2):

Labcorp Genetics (formerly Invitae), Labcorp
Classification: Uncertain significance for Brugada syndrome 8. Last evaluated: 2023-07-03. Review status: criteria provided, single submitter. Criteria: Invitae Variant Classification Sherloc (09022015). Collection method: clinical testing. Allele origin: germline.
Comment: This sequence change replaces glutamic acid, which is acidic and polar, with lysine, which is basic and polar, at codon 738 of the HCN4 protein (p.Glu738Lys). This variant is not present in population databases (gnomAD no frequency). This variant has not been reported in the literature in individuals affected with HCN4-related conditions. ClinVar contains an entry for this variant (Variation ID: 518792). Advanced modeling of protein sequence and biophysical properties (such as structural, functional, and spatial information, amino acid conservation, physicochemical variation, residue mobility, and thermodynamic stability) performed at Invitae indicates that this missense variant is not expected to disrupt HCN4 protein function. In summary, the available evidence is currently insufficient to determine the role of this variant in disease. Therefore, it has been classified as a Variant of Uncertain Significance.

Ambry Genetics
Classification: Uncertain significance for Cardiovascular phenotype. Last evaluated: 2016-06-28. Review status: criteria provided, single submitter. Criteria: Ambry Variant Classification Scheme 2023. Collection method: clinical testing. Allele origin: germline.
Comment: The p.E738K variant (also known as c.2212G>A), located in coding exon 8 of the HCN4 gene, results from a G to A substitution at nucleotide position 2212. The glutamic acid at codon 738 is replaced by lysine, an amino acid with similar properties. This variant was not reported in population based cohorts in the following databases: Database of Single Nucleotide Polymorphisms (dbSNP), Exome Aggregation Consortium (ExAC), NHLBI Exome Sequencing Project (ESP), and 1000 Genomes Project. In the ESP, this variant was not observed in 6495 samples (12990 alleles) with coverage at this position. This amino acid position is highly conserved in available vertebrate species. In addition, this alteration is predicted to be deleterious by in silico analysis. Since supporting evidence is limited at this time, the clinical significance of this variant remains unclear.

NM_005477.3(HCN4):c.2212G>A (p.Glu738Lys)

Gene: HCN4 (hyperpolarization activated cyclic nucleotide gated potassium channel 4; minus strand). Cytogenetic location: 15q24.1.
Variant type: single nucleotide variant.
Coding change: c.2212G>A on transcript NM_005477.3 (MANE Select); coding-DNA position 2212, G replaced by A.
Protein change: p.Glu738Lys; replaces glutamic acid 738 with lysine.
Molecular consequence: missense variant.
Genome position (GRCh38, 1-based): chr15:73,323,881, C>T on the plus strand (G>A on the coding strand, the complement: HCN4 is on the minus strand). VCF-style: chr15-73323881-C-T. GRCh37 (hg19) VCF-style: chr15-73616222-C-T.
Other names: short protein forms E738K.
Identifiers: ClinVar variation 518792 (VCV000518792.12), dbSNP rs1029680367, ClinGen allele CA272665085.
Genomic context (GRCh38, chr15:73,323,881, plus strand): 5'-GGTGCGCGCAGTGGGCCATCTCCCGGTCATGCTGCACAATCTGCTGGATGATCTCATTCT[C>T]CTGGTAGTTGAAGACGCCGGAGTTGAGGTCGTGCTGGACTTTGTGGAGGAGGATGGAGTT-3'
Protein context (NP_005468.1, residues 728-748): DLNSGVFNYQ[Glu738Lys]NEIIQQIVQH